The following is an entry in ClinVar:

ClinVar aggregate classification (germline): Likely pathogenic. Review status: criteria provided, multiple submitters, no conflicts (2 of 4 stars). 4 submissions from 4 submitters: Likely pathogenic (2). 2 of the submissions do not count toward it. Last evaluated 2024-03-07.

Conditions:
Autosomal recessive polycystic kidney disease (ARPKD). Also called: AR polycystic kidney disease. Identifiers: Orphanet 731, Orphanet 8378, MedGen C0085548, MeSH D017044, MONDO:0009889.
Polycystic kidney disease 4 (PKD4). Also called: POLYCYSTIC KIDNEY DISEASE 4 WITH OR WITHOUT POLYCYSTIC LIVER DISEASE; POLYCYSTIC KIDNEY AND HEPATIC DISEASE 1; POLYCYSTIC KIDNEY DISEASE, INFANTILE, TYPE I; PKD3; Autosomal Recessive Polycystic Kidney Disease – PKHD1. Identifiers: MedGen C4540575, MONDO:0033004, OMIM 263200.

Submissions (4):

GeneDx
Classification: Likely pathogenic. Last evaluated: 2024-03-07. Review status: criteria provided, single submitter. Criteria: GeneDx Variant Classification Process June 2021. Collection method: clinical testing. Allele origin: germline. Affected: yes.
Comment: In-frame deletion of 1 amino acids in a non-repeat region; Not observed at significant frequency in large population cohorts (gnomAD); In silico analysis supports a deleterious effect on protein structure/function; This variant is associated with the following publications: (PMID: 15698423)

Labcorp Genetics (formerly Invitae), Labcorp
Classification: Likely pathogenic for Autosomal recessive polycystic kidney disease. Last evaluated: 2018-08-10. Review status: criteria provided, single submitter. Criteria: Invitae Variant Classification Sherloc (09022015). Collection method: clinical testing. Allele origin: germline.
Comment: This variant, c.8651_8653delTAG, results in the deletion of 1 amino acid(s) of the PKHD1 protein (p.Val2884del), but otherwise preserves the integrity of the reading frame. This variant is not present in population databases (ExAC no frequency). This variant has been observed on the opposite chromosome (in trans) from a pathogenic variant in an individual affected with polycystic kidney disease (PMID: 15698423, Invitae). This finding is consistent with autosomal recessive inheritance, and suggests that this variant contributes to disease. Experimental studies and prediction algorithms are not available for this variant, and the functional significance of the deleted amino acids is currently unknown. In summary, the currently available evidence indicates that the variant is pathogenic, but additional data are needed to prove that conclusively. Therefore, this variant has been classified as Likely Pathogenic.

Natera, Inc.
Classification: Likely pathogenic for Autosomal recessive polycystic kidney disease. Last evaluated: 2020-08-10. Review status: no assertion criteria provided. Collection method: clinical testing. Allele origin: germline. Not counted in ClinVar's aggregate classification.

Counsyl
Classification: Uncertain significance for Polycystic kidney disease 4. Last evaluated: 2017-08-23. Review status: no assertion criteria provided. Collection method: clinical testing. Allele origin: unknown. Not counted in ClinVar's aggregate classification.

Literature cited by the submitters: PubMed 15698423 (cited by Labcorp Genetics (formerly Invitae), Labcorp and Counsyl).

NM_138694.4(PKHD1):c.8648TAG[1] (p.Val2884del)

Gene: PKHD1 (PKHD1 ciliary IPT domain containing fibrocystin/polyductin; minus strand). Cytogenetic location: 6p12.3.
Variant type: Microsatellite.
Coding change: c.8648TAG[1] on transcript NM_138694.4 (MANE Select); one copy of the 3-base unit TAG starting at c.8648; the reference has two copies in a row; one copy, 3 bases deleted; also written c.8651_8653del.
Protein change: p.Val2884del; deletes valine 2884.
Molecular consequence: inframe deletion.
Genome position (GRCh38, 1-based): chr6:51,754,928-51,754,930, CTA deleted on the plus strand (TAG on the coding strand, the reverse complement: PKHD1 is on the minus strand); deleting any 3 consecutive bases within chr6:51,754,928-51,754,933 gives the same sequence; the position shown is the placement nearest the transcript's 3' end. VCF-style (leftmost placement, unchanged base first): chr6-51754927-TCTA-T. GRCh37 (hg19) VCF-style: chr6-51619725-TCTA-T.
Other names: c.8651_8653del (NM_138694.4, NM_138694.3); c.8651_8653delTAG (NM_138694.3); c.8648TAG[1], p.Val2884del (NM_170724.3); short protein forms V2884del.
Identifiers: ClinVar variation 553349 (VCV000553349.18), dbSNP rs1554221478, ClinGen allele CA658821798.